The following is an entry in ClinVar:

NM_004817.4(TJP2):c.2818C>T (p.Pro940Ser)

Gene: TJP2 (tight junction protein 2; plus strand). Cytogenetic location: 9q21.11.
Variant type: single nucleotide variant.
Coding change: c.2818C>T on transcript NM_004817.4 (MANE Select); coding-DNA position 2818, C replaced by T.
Protein change: p.Pro940Ser; replaces proline 940 with serine.
Molecular consequence: missense variant. On other transcripts: intron variant (1).
Genome position (GRCh38, 1-based): chr9:69,248,162, C>T. VCF-style: chr9-69248162-C-T. GRCh37 (hg19) VCF-style: chr9-71863078-C-T.
Other names: c.2749C>T, p.Pro917Ser (NM_001170414.2, NM_001369871.1); c.2830C>T, p.Pro944Ser (NM_001170415.1, NM_001369874.1, NM_001369875.1); c.2911C>T, p.Pro971Ser (NM_001170416.2); c.2743C>T, p.Pro915Ser (NM_001369870.1); c.2818C>T, p.Pro940Ser (NM_001369872.1, NM_201629.3); c.2667+1372C>T (NM_001369873.1); short protein forms P944S, P915S, P917S, P971S, P940S.
Identifiers: ClinVar variation 4983561 (VCV004983561.1).

ClinVar aggregate classification (germline): Uncertain significance (1 of 4 stars; one submission).

Conditions:
TJP2-related disorder. Also called: TJP2-related condition.

gnomAD v4.1: 1 of 1,613,318 alleles (0.000062%); highest among the groups gnomAD compares: Non-Finnish European, 0.000085%; no homozygotes.

Submission:

PreventionGenetics, part of Exact Sciences
Classification: Uncertain significance for TJP2-related condition. Last evaluated: 2026-05-21. Review status: criteria provided, single submitter. Criteria: ACMG Guidelines, 2015. Collection method: clinical testing. Allele origin: germline.
Comment: The TJP2 c.2818C>T variant is predicted to result in the amino acid substitution p.Pro940Ser. To our knowledge, this variant has not been reported in the literature or in a large population database (gnomAD), indicating this variant is rare. At this time, the clinical significance of this variant is uncertain due to the absence of conclusive functional and genetic evidence.